The following is an entry in ClinVar:

ClinVar aggregate classification (germline): Uncertain significance (1 of 4 stars; one submission).

Conditions:
Neuroblastoma, susceptibility to, 3. Also called: ALK-Related Neuroblastic Tumor Susceptibility. Identifiers: Orphanet 635, MedGen C2751681, MONDO:0013083, OMIM 613014.

Submission:

Labcorp Genetics (formerly Invitae), Labcorp
Classification: Uncertain significance for Neuroblastoma, susceptibility to, 3. Last evaluated: 2022-12-25. Review status: criteria provided, single submitter. Criteria: Invitae Variant Classification Sherloc (09022015). Collection method: clinical testing. Allele origin: germline.
Comment: This sequence change replaces cysteine, which is neutral and slightly polar, with arginine, which is basic and polar, at codon 1539 of the ALK protein (p.Cys1539Arg). This variant is not present in population databases (gnomAD no frequency). This variant has not been reported in the literature in individuals affected with ALK-related conditions. Algorithms developed to predict the effect of missense changes on protein structure and function output the following: SIFT: "Tolerated"; PolyPhen-2: "Benign"; Align-GVGD: "Class C0". The arginine amino acid residue is found in multiple mammalian species, which suggests that this missense change does not adversely affect protein function. In summary, the available evidence is currently insufficient to determine the role of this variant in disease. Therefore, it has been classified as a Variant of Uncertain Significance.

NM_004304.5(ALK):c.4615T>C (p.Cys1539Arg)

Gene: ALK (ALK receptor tyrosine kinase; minus strand). Cytogenetic location: 2p23.2.
Variant type: single nucleotide variant.
Coding change: c.4615T>C on transcript NM_004304.5 (MANE Select); coding-DNA position 4615, T replaced by C.
Protein change: p.Cys1539Arg; replaces cysteine 1539 with arginine.
Molecular consequence: missense variant.
Genome position (GRCh38, 1-based): chr2:29,193,472, A>G on the plus strand (T>C on the coding strand, the complement: ALK is on the minus strand). VCF-style: chr2-29193472-A-G. GRCh37 (hg19) VCF-style: chr2-29416338-A-G.
Other names: c.1411T>C, p.Cys471Arg (NM_001353765.2); short protein forms C1539R, C471R.
Identifiers: ClinVar variation 3022125 (VCV003022125.3), dbSNP rs2465873279, ClinGen allele CA346460593.